The following is an entry in ClinVar:

NM_016169.4(SUFU):c.110T>A (p.Ile37Asn)

Gene: SUFU (SUFU negative regulator of hedgehog signaling; plus strand). Cytogenetic location: 10q24.32.
Variant type: single nucleotide variant.
Coding change: c.110T>A on transcript NM_016169.4 (MANE Select); coding-DNA position 110, T replaced by A.
Protein change: p.Ile37Asn; replaces isoleucine 37 with asparagine.
Molecular consequence: missense variant.
Genome position (GRCh38, 1-based): chr10:102,504,262, T>A. VCF-style: chr10-102504262-T-A. GRCh37 (hg19) VCF-style: chr10-104264019-T-A.
Other names: c.110T>A, p.Ile37Asn (NM_001178133.2); short protein forms I37N.
Identifiers: ClinVar variation 1794839 (VCV001794839.2), dbSNP rs2544831254, ClinGen allele CA377886501.

ClinVar aggregate classification (germline): Uncertain significance (1 of 4 stars; one submission).

Conditions:
Hereditary cancer-predisposing syndrome. Also called: Tumor predisposition; Hereditary Cancer Syndrome; Neoplastic Syndromes, Hereditary; Hereditary neoplastic syndrome. Identifiers: Orphanet 140162, MedGen C0027672, MeSH D009386, MONDO:0015356.

Submission:

Ambry Genetics
Classification: Uncertain significance for Hereditary cancer-predisposing syndrome. Last evaluated: 2022-05-10. Review status: criteria provided, single submitter. Criteria: Ambry Variant Classification Scheme 2023. Collection method: clinical testing. Allele origin: germline.
Comment: The p.I37N variant (also known as c.110T>A), located in coding exon 1 of the SUFU gene, results from a T to A substitution at nucleotide position 110. The isoleucine at codon 37 is replaced by asparagine, an amino acid with dissimilar properties. This amino acid position is conserved. In addition, this alteration is predicted to be deleterious by in silico analysis. Since supporting evidence is limited at this time, the clinical significance of this alteration remains unclear.